The following is an entry in ClinVar:

ClinVar aggregate classification (germline): Uncertain significance. Review status: criteria provided, multiple submitters, no conflicts (2 of 4 stars). 2 submissions from 2 submitters: Uncertain significance (2). Last evaluated 2023-08-04.

Conditions:
Inborn genetic diseases. Identifiers: MedGen C0950123, MeSH D030342.

Allele frequency attached by ClinVar (database versions not stated): gnomAD exomes below 0.00001; TOPMed below 0.00001; gnomAD 0.00001.
gnomAD v4.1: 4 of 1,600,250 alleles (0.00025%); highest among the groups gnomAD compares: Non-Finnish European, 0.00034%; no homozygotes.

Submissions (2):

Ambry Genetics
Classification: Uncertain significance for Inborn genetic diseases. Last evaluated: 2023-08-04. Review status: criteria provided, single submitter. Criteria: Ambry Variant Classification Scheme 2023. Collection method: clinical testing. Allele origin: germline.

Labcorp Genetics (formerly Invitae), Labcorp
Classification: Uncertain significance. Last evaluated: 2021-12-31. Review status: criteria provided, single submitter. Criteria: Invitae Variant Classification Sherloc (09022015). Collection method: clinical testing. Allele origin: germline.
Comment: In summary, the available evidence is currently insufficient to determine the role of this variant in disease. Therefore, it has been classified as a Variant of Uncertain Significance. Algorithms developed to predict the effect of sequence changes on RNA splicing suggest that this variant may create or strengthen a splice site. This variant is present in population databases (no rsID available, gnomAD 0.007%). This variant has not been reported in the literature in individuals affected with MAPKBP1-related conditions. Algorithms developed to predict the effect of missense changes on protein structure and function (SIFT, PolyPhen-2, Align-GVGD) all suggest that this variant is likely to be tolerated. This sequence change replaces alanine, which is neutral and non-polar, with serine, which is neutral and polar, at codon 1433 of the MAPKBP1 protein (p.Ala1433Ser).

NM_014994.3(MAPKBP1):c.4279G>T (p.Ala1427Ser)

Gene: MAPKBP1 (mitogen-activated protein kinase binding protein 1; plus strand). Cytogenetic location: 15q15.1.
Variant type: single nucleotide variant.
Coding change: c.4279G>T on transcript NM_014994.3 (MANE Select); coding-DNA position 4279, G replaced by T.
Protein change: p.Ala1427Ser; replaces alanine 1427 with serine.
Molecular consequence: missense variant. On other transcripts: non-coding transcript variant (2).
Genome position (GRCh38, 1-based): chr15:41,824,549, G>T. VCF-style: chr15-41824549-G-T. GRCh37 (hg19) VCF-style: chr15-42116747-G-T.
Other names: c.4297G>T (NM_001128608.1); c.4297G>T, p.Ala1433Ser (NM_001128608.2); c.3448G>T, p.Ala1150Ser (NM_001265611.2); short protein forms A1427S, A1433S, A1150S.
Identifiers: ClinVar variation 1924815 (VCV001924815.7), dbSNP rs1304443885, ClinGen allele CA391879172.
Genomic context (GRCh38, chr15:41,824,549, plus strand): 5'-GCGGTGAGCCTGGAGCAGTGTGAGCAGCTGGTGGCAGAGCTCCGCGGCAGCGTGCGCCAG[G>T]CAGTGCGGCTCTACCACTCGGTGGGTGTTAGGTGCCCCCCGGCAGGAAGGCGGGCACGTC-3'
Protein context (NP_055809.2, residues 1417-1437): VAELRGSVRQ[Ala1427Ser]VRLYHSVAGC